The following is an entry in ClinVar:

ClinVar aggregate classification (germline): Uncertain significance. Review status: criteria provided, multiple submitters, no conflicts (2 of 4 stars). 2 submissions from 2 submitters: Uncertain significance (2). Last evaluated 2024-07-11.

Conditions:
Inborn genetic diseases. Identifiers: MedGen C0950123, MeSH D030342.

gnomAD v4.1: 4 of 1,614,064 alleles (0.00025%); highest among the groups gnomAD compares: South Asian, 0.0044%; no homozygotes.

Submissions (2):

Labcorp Genetics (formerly Invitae), Labcorp
Classification: Uncertain significance. Last evaluated: 2024-07-11. Review status: criteria provided, single submitter. Criteria: Invitae Variant Classification Sherloc (09022015). Collection method: clinical testing. Allele origin: germline.
Comment: This sequence change replaces asparagine, which is neutral and polar, with aspartic acid, which is acidic and polar, at codon 38 of the FOXP1 protein (p.Asn38Asp). This variant is not present in population databases (gnomAD no frequency). This variant has not been reported in the literature in individuals affected with FOXP1-related conditions. Advanced modeling of protein sequence and biophysical properties (such as structural, functional, and spatial information, amino acid conservation, physicochemical variation, residue mobility, and thermodynamic stability) has been performed at Invitae for this missense variant, however the output from this modeling did not meet the statistical confidence thresholds required to predict the impact of this variant on FOXP1 protein function. In summary, the available evidence is currently insufficient to determine the role of this variant in disease. Therefore, it has been classified as a Variant of Uncertain Significance.

Ambry Genetics
Classification: Uncertain significance for Inborn genetic diseases. Last evaluated: 2024-03-16. Review status: criteria provided, single submitter. Criteria: Ambry Variant Classification Scheme 2023. Collection method: clinical testing. Allele origin: germline.

NM_001349338.3(FOXP1):c.112A>G (p.Asn38Asp)

Gene: FOXP1 (forkhead box P1; minus strand). Cytogenetic location: 3p13.
Variant type: single nucleotide variant.
Coding change: c.112A>G on transcript NM_001349338.3 (MANE Select); coding-DNA position 112, A replaced by G.
Protein change: p.Asn38Asp; replaces asparagine 38 with aspartic acid.
Molecular consequence: missense variant. On other transcripts: non-coding transcript variant (2).
Genome position (GRCh38, 1-based): chr3:71,198,270, T>C on the plus strand (A>G on the coding strand, the complement: FOXP1 is on the minus strand). VCF-style: chr3-71198270-T-C. GRCh37 (hg19) VCF-style: chr3-71247421-T-C.
Other names: c.112A>G, p.Asn38Asp (NM_001012505.2, NM_001244808.3, NM_001244810.2 and 6 more transcripts); short protein forms N38D.
Identifiers: ClinVar variation 3279658 (VCV003279658.3).